The following is an entry in ClinVar:

ClinVar aggregate classification (germline): Uncertain significance (1 of 4 stars; one submission).

Conditions:
Progressive myoclonic epilepsy. Also called: Familial progressive myoclonic epilepsy; Myoclonus epilepsy; Progressive myoclonus epilepsy; Myoclonic Epilepsies, Progressive. Identifiers: Orphanet 308, Orphanet 98261, MedGen C0751778, MONDO:0020074.

Allele frequency attached by ClinVar (database versions not stated): gnomAD exomes below 0.00001; gnomAD 0.00001.
gnomAD v4.1: 2 of 1,613,754 alleles (0.00012%); highest among the groups gnomAD compares: Non-Finnish European, 0.00017%; no homozygotes.

Submission:

Labcorp Genetics (formerly Invitae), Labcorp
Classification: Uncertain significance for Progressive myoclonic epilepsy. Last evaluated: 2018-06-19. Review status: criteria provided, single submitter. Criteria: Invitae Variant Classification Sherloc (09022015). Collection method: clinical testing. Allele origin: germline.
Comment: In summary, the available evidence is currently insufficient to determine the role of this variant in disease. Therefore, it has been classified as a Variant of Uncertain Significance. Algorithms developed to predict the effect of sequence changes on RNA splicing suggest that this variant may create or strengthen a splice site, but this prediction has not been confirmed by published transcriptional studies. Algorithms developed to predict the effect of missense changes on protein structure and function (SIFT, PolyPhen-2, Align-GVGD) all suggest that this variant is likely to be tolerated, but these predictions have not been confirmed by published functional studies and their clinical significance is uncertain. This variant has not been reported in the literature in individuals with EPM2A-related disease. This variant is not present in population databases (ExAC no frequency). This sequence change replaces threonine with serine at codon 111 of the EPM2A protein (p.Thr111Ser). The threonine residue is moderately conserved and there is a small physicochemical difference between threonine and serine.

NM_005670.4(EPM2A):c.332C>G (p.Thr111Ser)

Gene: EPM2A (EPM2A glucan phosphatase, laforin; minus strand). Cytogenetic location: 6q24.3.
Variant type: single nucleotide variant.
Coding change: c.332C>G on transcript NM_005670.4 (MANE Select); coding-DNA position 332, C replaced by G.
Protein change: p.Thr111Ser; replaces threonine 111 with serine.
Molecular consequence: missense variant. On other transcripts: 5 prime UTR variant (5), non-coding transcript variant (1).
Genome position (GRCh38, 1-based): chr6:145,686,266, G>C on the plus strand (C>G on the coding strand, the complement: EPM2A is on the minus strand). VCF-style: chr6-145686266-G-C. GRCh37 (hg19) VCF-style: chr6-146007402-G-C.
Other names: c.332C>G, p.Thr111Ser (NM_001018041.2, NM_001360057.2, NM_001368130.1); c.-83C>G (NM_001360064.2, NM_001360071.2, NM_001368131.1); c.-292C>G (NM_001368129.2, NM_001368132.1); short protein forms T111S.
Identifiers: ClinVar variation 570881 (VCV000570881.8), dbSNP rs1480939817, ClinGen allele CA366188768.
Genomic context (GRCh38, chr6:145,686,266, plus strand): 5'-TCAATCCAGTGTCCTATTGGGAGACAATACACACCATCCACCAAGTTGTTTTCATTGTAA[G>C]TACAGCAACGGTCATGATGAGGTCCATTGCCTAGAACAAGAAAAAATGATAAACAGAGCA-3'
Protein context (NP_005661.1, residues 101-121): GNGPHHDRCC[Thr111Ser]YNENNLVDGV